The following is an entry in ClinVar:

NM_006031.6(PCNT):c.7423C>T (p.Arg2475Ter)

Gene: PCNT (pericentrin; plus strand). Cytogenetic location: 21q22.3.
Variant type: single nucleotide variant.
Coding change: c.7423C>T on transcript NM_006031.6 (MANE Select); coding-DNA position 7423, C replaced by T.
Protein change: p.Arg2475Ter; replaces arginine 2475 with a stop codon.
Molecular consequence: nonsense.
Genome position (GRCh38, 1-based): chr21:46,427,724, C>T. VCF-style: chr21-46427724-C-T. GRCh37 (hg19) VCF-style: chr21-47847638-C-T.
Other names: c.7423C>T (NM_006031.5); c.7069C>T, p.Arg2357Ter (NM_001315529.2); short protein forms R2357*, R2475*.
Identifiers: ClinVar variation 3587743 (VCV003587743.2).

ClinVar aggregate classification (germline): Likely pathogenic. Review status: criteria provided, multiple submitters, no conflicts (2 of 4 stars). 2 submissions from 2 submitters: Likely pathogenic (2). Last evaluated 2025-07-15.

Conditions:
PCNT-related disorder. Also called: PCNT-related condition.
Microcephalic osteodysplastic primordial dwarfism type II (MOPD2). Also called: Microcephalic osteodysplastic primordial dwarfism with tooth abnormalities; MOPD II; OSTEODYSPLASTIC PRIMORDIAL DWARFISM, TYPE II. Identifiers: Orphanet 2637, MedGen C0432246, MONDO:0008872, OMIM 210720.

gnomAD v4.1: 2 of 1,613,798 alleles (0.00012%); highest among the groups gnomAD compares: Admixed American, 0.0017%; no homozygotes.

Submissions (2):

PreventionGenetics, part of Exact Sciences
Classification: Likely pathogenic for PCNT-related condition. Last evaluated: 2025-07-15. Review status: criteria provided, single submitter. Criteria: ACMG Guidelines, 2015. Collection method: clinical testing. Allele origin: germline.
Comment: The PCNT c.7423C>T variant is predicted to result in premature protein termination (p.Arg2475*). To our knowledge, this variant has not been reported in the literature. This variant is reported in 0.0029% of alleles in individuals of Latino descent in gnomAD. Nonsense variants in PCNT are expected to be pathogenic. This variant is interpreted as likely pathogenic.

Fulgent Genetics
Classification: Likely pathogenic for Microcephalic osteodysplastic primordial dwarfism type II. Last evaluated: 2024-01-22. Review status: criteria provided, single submitter. Criteria: ACMG Guidelines, 2015. Collection method: clinical testing. Allele origin: germline.